The following is an entry in ClinVar:

ClinVar aggregate classification (germline): Uncertain significance (1 of 4 stars; one submission).

Allele frequency attached by ClinVar (database versions not stated): gnomAD exomes below 0.00001.
gnomAD v4.1: 1 of 1,614,154 alleles (0.000062%); highest among the groups gnomAD compares: Non-Finnish European, 0.000085%; no homozygotes.

Submission:

Labcorp Genetics (formerly Invitae), Labcorp
Classification: Uncertain significance. Last evaluated: 2022-03-04. Review status: criteria provided, single submitter. Criteria: Invitae Variant Classification Sherloc (09022015). Collection method: clinical testing. Allele origin: germline.
Comment: This sequence change replaces phenylalanine, which is neutral and non-polar, with cysteine, which is neutral and slightly polar, at codon 4107 of the USH2A protein (p.Phe4107Cys). This variant is not present in population databases (gnomAD no frequency). This variant has not been reported in the literature in individuals affected with USH2A-related conditions. Algorithms developed to predict the effect of missense changes on protein structure and function (SIFT, PolyPhen-2, Align-GVGD) all suggest that this variant is likely to be tolerated. In summary, the available evidence is currently insufficient to determine the role of this variant in disease. Therefore, it has been classified as a Variant of Uncertain Significance.

NM_206933.4(USH2A):c.12320T>G (p.Phe4107Cys)

Gene: USH2A (usherin; minus strand). Cytogenetic location: 1q41.
Variant type: single nucleotide variant.
Coding change: c.12320T>G on transcript NM_206933.4 (MANE Select); coding-DNA position 12320, T replaced by G.
Protein change: p.Phe4107Cys; replaces phenylalanine 4107 with cysteine.
Molecular consequence: missense variant.
Genome position (GRCh38, 1-based): chr1:215,675,591, A>C on the plus strand (T>G on the coding strand, the complement: USH2A is on the minus strand). VCF-style: chr1-215675591-A-C. GRCh37 (hg19) VCF-style: chr1-215848933-A-C.
Other names: short protein forms F4107C.
Identifiers: ClinVar variation 1958953 (VCV001958953.2), dbSNP rs2464901133, ClinGen allele CA344851274.